The following is an entry in ClinVar:

NM_015354.3(NUP188):c.3690G>A (p.Leu1230=)

Gene: NUP188 (nucleoporin 188; plus strand). Cytogenetic location: 9q34.11.
Variant type: single nucleotide variant.
Coding change: c.3690G>A on transcript NM_015354.3 (MANE Select); coding-DNA position 3690, G replaced by A.
Protein change: p.Leu1230=; no amino-acid change (leucine 1230 retained).
Molecular consequence: synonymous variant.
Genome position (GRCh38, 1-based): chr9:128,999,652, G>A. VCF-style: chr9-128999652-G-A. GRCh37 (hg19) VCF-style: chr9-131761931-G-A.
Identifiers: ClinVar variation 3771764 (VCV003771764.13).

ClinVar aggregate classification (germline): Likely benign (1 of 4 stars; one submission).

gnomAD v4.1: 3 of 1,614,132 alleles (0.00019%); highest among the groups gnomAD compares: Non-Finnish European, 0.00017%; no homozygotes.

Submission:

CeGaT Center for Human Genetics Tuebingen
Classification: Likely benign. Last evaluated: 2024-12-01. Review status: criteria provided, single submitter. Criteria: CeGaT Center For Human Genetics Tuebingen Variant Classification Criteria Version 2. Collection method: clinical testing. Allele origin: germline. Affected: yes. Observed: 1 variant allele.
Comment: NUP188: BP4, BP7